The following is an entry in ClinVar:

ClinVar aggregate classification (germline): Benign. Review status: criteria provided, multiple submitters, no conflicts (2 of 4 stars). 7 submissions from 6 submitters: Benign (7). Last evaluated 2026-02-01.

Conditions:
WFS1-Related Spectrum Disorders.
Autosomal dominant nonsyndromic hearing loss 6 (LFSNHL). Also called: Autosomal dominant nonsyndromic deafness 6; DIDMOAD (Diabetes Insipidus, Diabetes Mellitus, Optic Atrophy, and Deafness); DEAFNESS, AUTOSOMAL DOMINANT 6; DEAFNESS, AUTOSOMAL DOMINANT 14; DEAFNESS, AUTOSOMAL DOMINANT 38. Identifiers: Orphanet 90635, MedGen C1833021, MONDO:0010963, OMIM 600965.
Wolfram syndrome 1 (WFS1). Identifiers: Orphanet 3463, MedGen C4551693, MONDO:0009101, OMIM 222300.

Allele frequency attached by ClinVar (database versions not stated): ESP Exome Variant Server 0.00038; TOPMed 0.00065; gnomAD 0.00086; 1000 Genomes Project 30x 0.01218; 1000 Genomes Project 0.01298.

Submissions (7):

Labcorp Genetics (formerly Invitae), Labcorp
Classification: Benign. Last evaluated: 2026-02-01. Review status: criteria provided, single submitter. Criteria: Invitae Variant Classification Sherloc (09022015). Collection method: clinical testing. Allele origin: germline.

Illumina Laboratory Services, Illumina
Classification: Benign for Autosomal dominant nonsyndromic hearing loss 6. Last evaluated: 2018-01-13. Review status: criteria provided, single submitter. Criteria: ICSL Variant Classification Criteria 13 December 2019. Collection method: clinical testing. Allele origin: germline.
Comment: This variant was observed in the ICSL laboratory as part of a predisposition screen in an ostensibly healthy population. It had not been previously curated by ICSL or reported in the Human Gene Mutation Database (HGMD: prior to June 1st, 2018), and was therefore a candidate for classification through an automated scoring system. Utilizing variant allele frequency, disease prevalence and penetrance estimates, and inheritance mode, an automated score was calculated to assess if this variant is too frequent to cause the disease. Based on the score and internal cut-off values, a variant classified as benign is not then subjected to further curation. The score for this variant resulted in a classification of benign for this disease.

Illumina Laboratory Services, Illumina
Classification: Benign for WFS1-Related Spectrum Disorders. Last evaluated: 2018-01-13. Review status: criteria provided, single submitter. Criteria: ICSL Variant Classification Criteria 13 December 2019. Collection method: clinical testing. Allele origin: germline.
Comment: the same text as in the submission from Illumina Laboratory Services, Illumina above.

GeneDx
Classification: Benign. Last evaluated: 2015-06-19. Review status: criteria provided, single submitter. Criteria: GeneDx Variant Classification (06012015). Collection method: clinical testing. Allele origin: germline. Affected: yes.
Comment: This variant is considered likely benign or benign based on one or more of the following criteria: it is a conservative change, it occurs at a poorly conserved position in the protein, it is predicted to be benign by multiple in silico algorithms, and/or has population frequency not consistent with disease.

Laboratory for Molecular Medicine, Mass General Brigham Personalized Medicine
Classification: Benign. Last evaluated: 2015-02-26. Review status: criteria provided, single submitter. Criteria: LMM Criteria. Collection method: clinical testing. Allele origin: germline. Observed: 5 variant alleles.
Comment: Ile561Ile in Exon 08 of WFS1: This variant is not expected to have clinical sign ificance because it has been identified in 5.0% (833/16512) of South Asian chrom osomes including 31 homozygotes by the Exome Aggregation Consortium (.; dbSNP rs71530906).

Breakthrough Genomics
Classification: Benign. Review status: criteria provided, single submitter. Criteria: ACMG Guidelines, 2015. Collection method: not provided. Allele origin: germline. Inheritance: Autosomal recessive inheritance. Affected: yes.

Clinical Genomics, Uppaluri K&H Personalized Medicine Clinic
Classification: Benign for Wolfram syndrome 1. Review status: criteria provided, single submitter. Criteria: K & H Uppaluri Personalized Medicine Clinic Variant Classification & Assertion Criteria_Updated V.1. Collection method: research. Allele origin: unknown. Inheritance: Autosomal recessive inheritance.
Comment: Potent mutations in WFS1 gene are associated with Wolfram's syndrome, an autosomal recessive condition, which cause diabetes mellitus, diabetes insipidus, deafness and optic atrophy.However no sufficient evidence is found to ascertain the role of this particular variant rs71530906 yet.

Literature cited by the submitters: PubMed 20738327 (cited by Clinical Genomics, Uppaluri K&H Personalized Medicine Clinic); PubMed 33879153 (cited by Clinical Genomics, Uppaluri K&H Personalized Medicine Clinic); PubMed 12955714 (cited by Clinical Genomics, Uppaluri K&H Personalized Medicine Clinic); PubMed 18060660 (cited by Clinical Genomics, Uppaluri K&H Personalized Medicine Clinic); PubMed 20301750 (cited by Clinical Genomics, Uppaluri K&H Personalized Medicine Clinic); PubMed 17603484 (cited by Clinical Genomics, Uppaluri K&H Personalized Medicine Clinic).

NM_006005.3(WFS1):c.1683C>T (p.Ile561=)

Gene: WFS1 (wolframin ER transmembrane glycoprotein; plus strand). Cytogenetic location: 4p16.1.
Variant type: single nucleotide variant.
Coding change: c.1683C>T on transcript NM_006005.3 (MANE Select); coding-DNA position 1683, C replaced by T.
Protein change: p.Ile561=; no amino-acid change (isoleucine 561 retained).
Molecular consequence: synonymous variant.
Genome position (GRCh38, 1-based): chr4:6,301,478, C>T. VCF-style: chr4-6301478-C-T. GRCh37 (hg19) VCF-style: chr4-6303205-C-T.
Other names: c.1683C>T, p.Ile561= (NM_001145853.1).
Identifiers: ClinVar variation 166595 (VCV000166595.22), dbSNP rs71530906, ClinGen allele CA179655.